The following is an entry in ClinVar:

ClinVar aggregate classification (germline): Likely benign (0 of 4 stars; one submission).

Conditions:
TBR1-related disorder. Also called: TBR1-related condition.

Allele frequency attached by ClinVar (database versions not stated): TOPMed below 0.00001; gnomAD 0.00001; ExAC 0.00002; gnomAD exomes 0.00005; ESP Exome Variant Server 0.00008.
gnomAD v4.1: 72 of 1,613,806 alleles (0.0045%); highest among the groups gnomAD compares: Non-Finnish European, 0.0058%; no homozygotes.

Submission:

PreventionGenetics, part of Exact Sciences
Classification: Likely benign for TBR1-related condition. Last evaluated: 2022-09-21. Review status: no assertion criteria provided. Collection method: clinical testing. Allele origin: germline.
Comment: This variant is classified as likely benign based on ACMG/AMP sequence variant interpretation guidelines (Richards et al. 2015 PMID: 25741868, with internal and published modifications).

NM_006593.4(TBR1):c.465A>C (p.Gly155=)

Gene: TBR1 (T-box brain transcription factor 1; plus strand). Cytogenetic location: 2q24.2.
Variant type: single nucleotide variant.
Coding change: c.465A>C on transcript NM_006593.4 (MANE Select); coding-DNA position 465, A replaced by C.
Protein change: p.Gly155=; no amino-acid change (glycine 155 retained).
Molecular consequence: synonymous variant.
Genome position (GRCh38, 1-based): chr2:161,416,875, A>C. VCF-style: chr2-161416875-A-C. GRCh37 (hg19) VCF-style: chr2-162273386-A-C.
Identifiers: ClinVar variation 3029412 (VCV003029412.2), dbSNP rs370315773, ClinGen allele CA1930772.